The following is an entry in ClinVar:

ClinVar aggregate classification (germline): Uncertain significance (1 of 4 stars; one submission).

Conditions:
Adenylosuccinate lyase deficiency (ADSLD). Also called: ADSL DEFICIENCY. Identifiers: Orphanet 46, MedGen C0268126, MONDO:0007068, OMIM 103050.

Allele frequency attached by ClinVar (database versions not stated): TOPMed 0.00002; gnomAD 0.00010; 1000 Genomes Project 30x 0.00031; 1000 Genomes Project 0.00040.

Submission:

Labcorp Genetics (formerly Invitae), Labcorp
Classification: Uncertain significance for Adenylosuccinate lyase deficiency. Last evaluated: 2022-05-16. Review status: criteria provided, single submitter. Criteria: Invitae Variant Classification Sherloc (09022015). Collection method: clinical testing. Allele origin: germline.
Comment: This variant occurs in a non-coding region of the ADSL gene. It does not change the encoded amino acid sequence of the ADSL protein. This variant is present in population databases (rs562792922, gnomAD no frequency). This variant has not been reported in the literature in individuals affected with ADSL-related conditions. Experimental studies and prediction algorithms are not available or were not evaluated, and the functional significance of this variant is currently unknown. In summary, the available evidence is currently insufficient to determine the role of this variant in disease. Therefore, it has been classified as a Variant of Uncertain Significance.

NC_000022.11:g.40346049T>C

Gene: ADSL (adenylosuccinate lyase; plus strand). Cytogenetic location: 22q13.1.
Variant type: single nucleotide variant.
Genome position: GRCh38 VCF-style: chr22-40346049-T-C. GRCh37 (hg19) VCF-style: chr22-40742053-T-C.
Identifiers: ClinVar variation 1361725 (VCV001361725.3), dbSNP rs562792922, ClinGen allele CA324446505.